The following is an entry in ClinVar:

NM_000256.3(MYBPC3):c.1531C>T (p.His511Tyr)

Gene: MYBPC3 (myosin binding protein C3; minus strand). Cytogenetic location: 11p11.2.
Variant type: single nucleotide variant.
Coding change: c.1531C>T on transcript NM_000256.3 (MANE Select); coding-DNA position 1531, C replaced by T.
Protein change: p.His511Tyr; replaces histidine 511 with tyrosine.
Molecular consequence: missense variant.
Genome position (GRCh38, 1-based): chr11:47,342,671, G>A on the plus strand (C>T on the coding strand, the complement: MYBPC3 is on the minus strand). VCF-style: chr11-47342671-G-A. GRCh37 (hg19) VCF-style: chr11-47364222-G-A.
Other names: short protein forms H511Y.
Identifiers: ClinVar variation 3073407 (VCV003073407.3), dbSNP rs2095889971, ClinGen allele CA380325162.

ClinVar aggregate classification (germline): Uncertain significance. Review status: criteria provided, multiple submitters, no conflicts (2 of 4 stars). 3 submissions from 3 submitters: Uncertain significance (3). Last evaluated 2025-04-22.

Conditions:
Hypertrophic cardiomyopathy. Also called: HYPERTROPHIC MYOCARDIOPATHY. Identifiers: Orphanet 217569, MedGen C0007194, MeSH D002312, MONDO:0005045, HP:0001639.
Cardiomyopathy (CMYO). Also called: Cardiomyopathies. Identifiers: Orphanet 167848, MedGen C0878544, MONDO:0004994, HP:0001638. Inheritance: Various modes of inheritance.

Submissions (3):

GeneDx
Classification: Uncertain significance. Last evaluated: 2025-04-22. Review status: criteria provided, single submitter. Criteria: GeneDx Variant Classification Process June 2021. Collection method: clinical testing. Allele origin: germline. Affected: yes.
Comment: Not observed at significant frequency in large population cohorts (gnomAD); In silico analysis indicates that this missense variant does not alter protein structure/function; Has not been previously published as pathogenic or benign to our knowledge

All of Us Research Program, National Institutes of Health
Classification: Uncertain significance for Hypertrophic cardiomyopathy. Last evaluated: 2023-09-17. Review status: criteria provided, single submitter. Criteria: ACMG Guidelines, 2015. Collection method: clinical testing. Allele origin: germline. Inheritance: Autosomal dominant inheritance. Observed: 1 variant allele, 1 heterozygote.
Comment: This missense variant replaces histidine with tyrosine at codon 511 of the MYBPC3 protein. Computational prediction suggests that this variant may not impact protein structure and function (internally defined REVEL score threshold <= 0.5, PMID: 27666373). To our knowledge, functional studies have not been reported for this variant. This variant has not been reported in individuals affected with MYBPC3-related disorders in the literature. This variant has not been identified in the general population by the Genome Aggregation Database (gnomAD). The available evidence is insufficient to determine the role of this variant in disease conclusively. Therefore, this variant is classified as a Variant of Uncertain Significance.

This study involves interpretation of variants in research participants for the purpose of population health screening. Participant phenotype was not available at the time of variant classification. Additional details can be found in publication PMID: 35346344, PMCID: PMC8962531

Color Diagnostics, LLC DBA Color Health
Classification: Uncertain significance for Cardiomyopathy. Last evaluated: 2023-08-31. Review status: criteria provided, single submitter. Criteria: ACMG Guidelines, 2015. Collection method: clinical testing. Allele origin: germline.
Comment: This missense variant replaces histidine with tyrosine at codon 511 of the MYBPC3 protein. Computational prediction suggests that this variant may not impact protein structure and function. To our knowledge, functional studies have not been reported for this variant. This variant has not been reported in individuals affected with MYBPC3-related disorders in the literature. This variant has not been identified in the general population by the Genome Aggregation Database (gnomAD). The available evidence is insufficient to determine the role of this variant in disease conclusively. Therefore, this variant is classified as a Variant of Uncertain Significance.